The following is an entry in ClinVar:

ClinVar aggregate classification (germline): Likely pathogenic (1 of 4 stars; one submission).

Conditions:
Telangiectasia, hereditary hemorrhagic, type 1 (HHT1). Also called: Osler Weber Rendu syndrome type 1; ENG-Related Hereditary Hemorrhagic Telangiectasia. Identifiers: Orphanet 774, MedGen C4551861, MONDO:0008535, OMIM 187300. Disease mechanism: loss of function.

Submission:

NIHR Bioresource Rare Diseases, University of Cambridge
Classification: Likely pathogenic for Telangiectasia, hereditary hemorrhagic, type 1. Last evaluated: 2018-01-01. Review status: criteria provided, single submitter. Criteria: ACMG Guidelines, 2015. Collection method: research. Allele origin: unknown. Affected: yes. Observed: 2 variant alleles.
Comment: PM2+PM1+PP2+ PP4

Literature cited by the submitters: PubMed 32573726.

NM_001114753.3(ENG):c.620G>A (p.Cys207Tyr)

Gene: ENG (endoglin; minus strand). Cytogenetic location: 9q34.11.
Variant type: single nucleotide variant.
Coding change: c.620G>A on transcript NM_001114753.3 (MANE Select); coding-DNA position 620, G replaced by A.
Protein change: p.Cys207Tyr; replaces cysteine 207 with tyrosine.
Molecular consequence: missense variant.
Genome position (GRCh38, 1-based): chr9:127,825,764, C>T on the plus strand (G>A on the coding strand, the complement: ENG is on the minus strand). VCF-style: chr9-127825764-C-T. GRCh37 (hg19) VCF-style: chr9-130588043-C-T.
Other names: c.620G>A, p.Cys207Tyr (NM_000118.4, NM_001406715.1); c.74G>A, p.Cys25Tyr (NM_001278138.2); short protein forms C207Y, C25Y.
Identifiers: ClinVar variation 983205 (VCV000983205.3), dbSNP rs1830599119, ClinGen allele CA374983621.